The following is an entry in ClinVar:

ClinVar aggregate classification (germline): Uncertain significance (1 of 4 stars; one submission).

Conditions:
Inborn genetic diseases. Identifiers: MedGen C0950123, MeSH D030342.

Submission:

Ambry Genetics
Classification: Uncertain significance for Inborn genetic diseases. Last evaluated: 2025-09-01. Review status: criteria provided, single submitter. Criteria: Ambry Variant Classification Scheme 2023. Collection method: clinical testing. Allele origin: germline.
Comment: The p.Y598C variant (also known as c.1793A>G), located in coding exon 11 of the FANCM gene, results from an A to G substitution at nucleotide position 1793. The tyrosine at codon 598 is replaced by cysteine, an amino acid with highly dissimilar properties. This amino acid position is conserved. In addition, the in silico prediction for this alteration is inconclusive. Based on the available evidence, the clinical significance of this variant remains unclear.

NM_020937.4(FANCM):c.1793A>G (p.Tyr598Cys)

Gene: FANCM (FA complementation group M; plus strand). Cytogenetic location: 14q21.2.
Variant type: single nucleotide variant.
Coding change: c.1793A>G on transcript NM_020937.4 (MANE Select); coding-DNA position 1793, A replaced by G.
Protein change: p.Tyr598Cys; replaces tyrosine 598 with cysteine.
Molecular consequence: missense variant.
Genome position (GRCh38, 1-based): chr14:45,166,954, A>G. VCF-style: chr14-45166954-A-G. GRCh37 (hg19) VCF-style: chr14-45636157-A-G.
Other names: c.1715A>G, p.Tyr572Cys (NM_001308133.2); c.1793A>G, p.Tyr598Cys (NM_001308134.2); short protein forms Y572C, Y598C.
Identifiers: ClinVar variation 4254733 (VCV004254733.1).